The following is an entry in ClinVar:

ClinVar aggregate classification (germline): Uncertain significance (1 of 4 stars; one submission).

Conditions:
Cardiovascular phenotype. Identifiers: MedGen CN230736.

gnomAD v4.1: 1 of 1,549,390 alleles (0.000065%); highest among the groups gnomAD compares: South Asian, 0.0012%; no homozygotes.

Submission:

Ambry Genetics
Classification: Uncertain significance for Cardiovascular phenotype. Last evaluated: 2025-02-04. Review status: criteria provided, single submitter. Criteria: Ambry Variant Classification Scheme 2023. Collection method: clinical testing. Allele origin: germline.
Comment: The p.P2067L variant (also known as c.6200C>T), located in coding exon 2 of the ZNF469 gene, results from a C to T substitution at nucleotide position 6200. The proline at codon 2067 is replaced by leucine, an amino acid with similar properties. This amino acid position is conserved. In addition, this alteration is predicted to be tolerated by in silico analysis. Based on the available evidence, the clinical significance of this variant remains unclear.

NM_001367624.2(ZNF469):c.6284C>T (p.Pro2095Leu)

Gene: ZNF469 (zinc finger protein 469; plus strand). Cytogenetic location: 16q24.2.
Variant type: single nucleotide variant.
Coding change: c.6284C>T on transcript NM_001367624.2 (MANE Select); coding-DNA position 6284, C replaced by T.
Protein change: p.Pro2095Leu; replaces proline 2095 with leucine.
Molecular consequence: missense variant.
Genome position (GRCh38, 1-based): chr16:88,433,754, C>T. VCF-style: chr16-88433754-C-T. GRCh37 (hg19) VCF-style: chr16-88500162-C-T.
Other names: NM_001127464.1:c.6200C>T; short protein forms P2095L.
Identifiers: ClinVar variation 3821137 (VCV003821137.1).